The following is an entry in ClinVar:

NM_172250.3(MMAA):c.1075C>T (p.Arg359Ter)

Gene: MMAA (metabolism of cobalamin associated A; plus strand). Cytogenetic location: 4q31.21.
Variant type: single nucleotide variant.
Coding change: c.1075C>T on transcript NM_172250.3 (MANE Select); coding-DNA position 1075, C replaced by T.
Protein change: p.Arg359Ter; replaces arginine 359 with a stop codon.
Molecular consequence: nonsense.
Genome position (GRCh38, 1-based): chr4:145,655,252, C>T. VCF-style: chr4-145655252-C-T. GRCh37 (hg19) VCF-style: chr4-146576404-C-T.
Other names: short protein forms R359*.
Identifiers: ClinVar variation 466216 (VCV000466216.22), dbSNP rs999844958, ClinGen allele CA107683237.

ClinVar aggregate classification (germline): Pathogenic/Likely pathogenic. Review status: criteria provided, multiple submitters, no conflicts (2 of 4 stars). 7 submissions from 7 submitters: Pathogenic (5); Likely pathogenic (1). 1 of the submissions does not count toward it. Last evaluated 2026-01-12.

Conditions:
Methylmalonic aciduria, cblA type (MACA). Also called: Methylmalonic aciduria, vitamin B12-responsive; Vitamin B12-responsive methylmalonic acidemia type cblA; Methylmalonic aciduria, vitamin b12-responsive, due to defect in synthesis of adenosylcobalamin, cbla complementation type; MMA cbl A type; Methylmalonic acidemia cblA type. Identifiers: Orphanet 28, Orphanet 79310, MedGen C1855109, MONDO:0009613, OMIM 251100.

Allele frequency attached by ClinVar (database versions not stated): gnomAD exomes below 0.00001; gnomAD 0.00002; TOPMed 0.00002.
gnomAD v4.1: 25 of 1,613,958 alleles (0.0015%); highest among the groups gnomAD compares: South Asian, 0.0022%; no homozygotes.

Submissions (7):

Labcorp Genetics (formerly Invitae), Labcorp
Classification: Pathogenic for Methylmalonic aciduria, cblA type. Last evaluated: 2026-01-12. Review status: criteria provided, single submitter. Criteria: Invitae Variant Classification Sherloc (09022015). Collection method: clinical testing. Allele origin: germline.
Comment: This sequence change creates a premature translational stop signal (p.Arg359*) in the MMAA gene. While this is not anticipated to result in nonsense mediated decay, it is expected to disrupt the last 60 amino acid(s) of the MMAA protein. This variant is present in population databases (no rsID available, gnomAD 0.0009%). This premature translational stop signal has been observed in individual(s) with methylmalonic aciduria (PMID: 23026888; internal data). In at least one individual the data is consistent with being in trans (on the opposite chromosome) from a pathogenic variant. ClinVar contains an entry for this variant (Variation ID: 466216). This variant disrupts the C-terminus of the MMAA protein. Other variant(s) that disrupt this region (p.Gln362*, p.Lys364Serfs*51) have been observed in individuals with MMAA-related conditions (PMID: 15523652, 23026888). This suggests that this may be a clinically significant region of the protein. For these reasons, this variant has been classified as Pathogenic.

Natera, Inc.
Classification: Pathogenic for Methylmalonic aciduria cblA type. Last evaluated: 2025-11-17. Review status: criteria provided, single submitter. Criteria: Natera Variant Classification Schema (03/2026). Collection method: clinical testing. Allele origin: germline.
Comment: The c.1075C>T variant in MMAA is a nonsense variant predicted to introduce a stop codon at amino acid 359. This variant is expected to result in nonsense mediated decay, truncation, or a dysfunctional protein product. This variant is rare in the general population with a frequency below the threshold expected for the associated phenotype(s). This variant has been observed in one or more individuals affected with the associated recessive disease, as either homozygous or compound heterozygous with a second variant (PMID: 28497574, 33453710, 26270765, 23026888). Given the available evidence, this variant is classified as Pathogenic.

GeneDx
Classification: Likely pathogenic. Last evaluated: 2024-04-27. Review status: criteria provided, single submitter. Criteria: GeneDx Variant Classification Process June 2021. Collection method: clinical testing. Allele origin: germline. Affected: yes.
Comment: Observed in homozygous state or with a second MMAA variant, phase unknown, in patients with methylmalonic acidemia in the literature and not observed in homozygous state in controls (PMID: 33453710, 30022420, 23026888); Nonsense variant predicted to result in protein truncation, as the last 60 amino acids are lost, and other loss-of-function variants have been reported downstream in HGMD; Not observed at significant frequency in large population cohorts (gnomAD); This variant is associated with the following publications: (PMID: 34426522, 23026888, 30022420, 33453710)

Fulgent Genetics
Classification: Pathogenic for Methylmalonic aciduria, cblA type. Last evaluated: 2024-03-04. Review status: criteria provided, single submitter. Criteria: ACMG Guidelines, 2015. Collection method: clinical testing. Allele origin: germline.

Revvity Omics, Revvity
Classification: Pathogenic for Methylmalonic aciduria, cblA type. Last evaluated: 2021-06-19. Review status: criteria provided, single submitter. Criteria: ACMG Guidelines, 2015. Collection method: clinical testing. Allele origin: germline.

Kasturba Medical College, Manipal, Kasturba Medical College, Manipal, Manipal Academy of Higher Education, Manipal, India
Classification: Pathogenic for Methylmalonic aciduria, cblA type. Review status: criteria provided, single submitter. Criteria: ACMG Guidelines, 2015. Collection method: clinical testing. Allele origin: germline. Affected: yes.

Counsyl
Classification: Pathogenic for Methylmalonic aciduria, cblA type. Last evaluated: 2018-01-03. Review status: no assertion criteria provided. Collection method: clinical testing. Allele origin: unknown. Not counted in ClinVar's aggregate classification.

Literature cited by the submitters: PubMed 23026888 (cited by 4 submitters); PubMed 15523652 (cited by Labcorp Genetics (formerly Invitae), Labcorp); PubMed 28497574 (cited by Natera, Inc. and Counsyl); PubMed 33453710 (cited by Natera, Inc.); PubMed 26270765 (cited by Natera, Inc.).